The following is an entry in ClinVar:

ClinVar aggregate classification (germline): Uncertain significance. Review status: criteria provided, multiple submitters, no conflicts (2 of 4 stars). 2 submissions from 2 submitters: Uncertain significance (2). Last evaluated 2025-05-19.

Submissions (2):

ARUP Laboratories, Molecular Genetics and Genomics, ARUP Laboratories
Classification: Uncertain significance. Last evaluated: 2025-05-19. Review status: criteria provided, single submitter. Criteria: ARUP Molecular Germline Variant Investigation Process 2024. Collection method: clinical testing. Allele origin: germline.
Comment: The NF1 c.2523_2524insAAG; p.Thr841_Gly842insLys variant (rs1555614222), to our knowledge, is not reported in the medical literature but is reported in ClinVar (Variation ID: 451366). This variant is absent from the Genome Aggregation Database (v2.1.1), indicating it is not a common polymorphism. This variant inserts a single lysine residue leaving the rest of the protein in-frame. Due to limited information, the clinical significance of this variant is uncertain at this time.

GeneDx
Classification: Uncertain significance. Last evaluated: 2017-08-17. Review status: criteria provided, single submitter. Criteria: GeneDx Variant Classification (06012015). Collection method: clinical testing. Allele origin: germline. Affected: yes.
Comment: The c.2523_2524insAAG variant has not been published as a pathogenic variant, nor has it been reported as a benign variant to our knowledge. It results in the in-frame insertion of a single Lysine in the GTPase activating domain. The variant is not observed in large population cohorts (Lek et al., 2016; 1000 Genomes Consortium et al., 2015; Exome Variant Server). In summary, based on the currently available information, it is unclear whether this variant is a pathogenic variant or a rare benign variant.

NM_001042492.3(NF1):c.2523_2524insAAG (p.Thr841_Gly842insLys)

Gene: NF1 (neurofibromin 1; plus strand). Cytogenetic location: 17q11.2.
Variant type: Insertion.
Coding change: c.2523_2524insAAG on transcript NM_001042492.3 (MANE Select); coding-DNA positions 2523 to 2524, AAG inserted.
Protein change: p.Thr841_Gly842insLys.
Molecular consequence: inframe insertion. On other transcripts: inframe indel (1).
Genome position: GRCh38 VCF-style: chr17-31229138-T-TAAG. GRCh37 (hg19) VCF-style: chr17-29556156-T-TAAG.
Other names: c.2523_2524insAAG, p.Thr841_Gly842insLys (NM_000267.4).
Identifiers: ClinVar variation 451366 (VCV000451366.3), dbSNP rs1555614222, ClinGen allele CA658656617.
Genomic context (GRCh38, chr17:31,229,138, plus strand): 5'-TGGAGGAGGATCCATAGATTTGTCTGACACAGACTCCCTACAGGAATGGATCAACATGAC[T>TAAG]GGCTTCCTTTGTGCCCTTGGGGGAGTGTGCCTCCAGCAGAGAAGCAATTCTGGCCTGGCA-3'